The following is an entry in ClinVar:

NM_001080449.3(DNA2):c.1416-117C>T

Gene: DNA2 (DNA replication helicase/nuclease 2; minus strand). Cytogenetic location: 10q21.3.
Variant type: single nucleotide variant.
Coding change: c.1416-117C>T on transcript NM_001080449.3 (MANE Select); 117 bases into the intron before coding-DNA position 1416, C replaced by T.
Molecular consequence: intron variant.
Genome position (GRCh38, 1-based): chr10:68,437,358, G>A on the plus strand (C>T on the coding strand, the complement: DNA2 is on the minus strand). VCF-style: chr10-68437358-G-A. GRCh37 (hg19) VCF-style: chr10-70197115-G-A.
Identifiers: ClinVar variation 676739 (VCV000676739.2), dbSNP rs12775711, ClinGen allele CA208207268.

ClinVar aggregate classification (germline): Benign. Review status: criteria provided, multiple submitters, no conflicts (2 of 4 stars). 2 submissions from 2 submitters: Benign (2). Last evaluated 2018-06-16.

Allele frequency attached by ClinVar (database versions not stated): gnomAD exomes 0.05136; 1000 Genomes Project 0.13419; gnomAD 0.14280 and 0.15200; 1000 Genomes Project 30x 0.14350; TOPMed 0.15805.
gnomAD v4.1: 59,739 of 886,098 alleles (6.7%); highest among the groups gnomAD compares: African/African-American, 39%; 5,617 homozygotes.

Submissions (2):

GeneDx
Classification: Benign. Last evaluated: 2018-06-16. Review status: criteria provided, single submitter. Criteria: GeneDx Variant Classification (06012015). Collection method: clinical testing. Allele origin: germline. Affected: yes.
Comment: This variant is considered likely benign or benign based on one or more of the following criteria: it is a conservative change, it occurs at a poorly conserved position in the protein, it is predicted to be benign by multiple in silico algorithms, and/or has population frequency not consistent with disease.

Breakthrough Genomics
Classification: Benign. Review status: criteria provided, single submitter. Criteria: ACMG Guidelines, 2015. Collection method: not provided. Allele origin: germline. Inheritance: Autosomal recessive inheritance. Affected: yes.